The following is an entry in ClinVar:

ClinVar aggregate classification (germline): Conflicting classifications of pathogenicity. Review status: criteria provided, conflicting classifications (1 of 4 stars). 4 submissions from 4 submitters: Likely pathogenic (2); Uncertain significance (1). 1 of the submissions does not count toward it. Last evaluated 2024-12-24.

Conditions:
ITGA7-related disorder. Also called: ITGA7-related condition.
Congenital muscular dystrophy due to integrin alpha-7 deficiency. Also called: Congenital muscular dystrophy with integrin alpha-7 deficiency; MYOPATHY, CONGENITAL, DUE TO INTEGRIN ALPHA-7 DEFICIENCY; Muscular dystrophy, congenital, due to ITGA7 deficiency. Identifiers: Orphanet 34520, MedGen C2750786, MONDO:0013177, OMIM 613204.

Allele frequency attached by ClinVar (database versions not stated): gnomAD below 0.00001 and 0.00001; gnomAD exomes 0.00002 and 0.00004; ExAC 0.00007.
gnomAD v4.1: 36 of 1,613,858 alleles (0.0022%); highest among the groups gnomAD compares: South Asian, 0.038%; 1 homozygote.

Submissions (4):

Revvity Omics, Revvity
Classification: Likely pathogenic for Congenital muscular dystrophy due to integrin alpha-7 deficiency. Last evaluated: 2024-12-24. Review status: criteria provided, single submitter. Criteria: ACMG Guidelines, 2015. Collection method: clinical testing. Allele origin: germline.

GeneDx
Classification: Uncertain significance. Last evaluated: 2022-06-30. Review status: criteria provided, single submitter. Criteria: GeneDx Variant Classification Process June 2021. Collection method: clinical testing. Allele origin: germline. Affected: yes.
Comment: Canonical splice site variant expected to result in aberrant splicing, although in the absence of functional evidence the actual effect of this sequence change is unknown.; Has not been previously published as pathogenic or benign to our knowledge

Labcorp Genetics (formerly Invitae), Labcorp
Classification: Likely pathogenic for Congenital muscular dystrophy due to integrin alpha-7 deficiency. Last evaluated: 2019-02-14. Review status: criteria provided, single submitter. Criteria: Invitae Variant Classification Sherloc (09022015). Collection method: clinical testing. Allele origin: germline.
Comment: This variant is present in population databases (rs777049999, ExAC 0.05%). This sequence change affects an acceptor splice site in intron 4 of the ITGA7 gene. It is expected to disrupt RNA splicing and likely results in an absent or disrupted protein product. This variant has not been reported in the literature in individuals with ITGA7-related disease. Donor and acceptor splice site variants typically lead to a loss of protein function (PMID: 16199547), and loss-of-function variants in ITGA7 are known to be pathogenic (PMID: 9590299). In summary, the currently available evidence indicates that the variant is pathogenic, but additional data are needed to prove that conclusively. Therefore, this variant has been classified as Likely Pathogenic.

PreventionGenetics, part of Exact Sciences
Classification: Uncertain significance for ITGA7-related condition. Last evaluated: 2023-11-16. Review status: no assertion criteria provided. Collection method: clinical testing. Allele origin: germline. Not counted in ClinVar's aggregate classification.
Comment: The ITGA7 c.671-1G>A variant is predicted to disrupt the AG splice acceptor site and interfere with normal splicing. However, there is possibly an alternative AG acceptor site created and we cannot be certain of the biological impact of this variant. To our knowledge, this variant has not been reported in the literature. This variant is reported in 0.036% of alleles in individuals of South Asian descent in gnomAD, including one homozygous individual. Although we suspect that this variant may be pathogenic, at this time, the clinical significance of this variant is uncertain due to the absence of conclusive functional and genetic evidence.

Literature cited by the submitters: PubMed 16199547 (cited by Labcorp Genetics (formerly Invitae), Labcorp); PubMed 9590299 (cited by Labcorp Genetics (formerly Invitae), Labcorp).

NM_002206.3(ITGA7):c.671-1G>A

Gene: ITGA7 (integrin subunit alpha 7; minus strand). Cytogenetic location: 12q13.2.
Variant type: single nucleotide variant.
Coding change: c.671-1G>A on transcript NM_002206.3 (MANE Select); the canonical splice acceptor site of the intron before coding-DNA position 671, G replaced by A.
Molecular consequence: splice acceptor variant. On other transcripts: intron variant (7).
Genome position (GRCh38, 1-based): chr12:55,699,990, C>T on the plus strand (G>A on the coding strand, the complement: ITGA7 is on the minus strand). VCF-style: chr12-55699990-C-T. GRCh37 (hg19) VCF-style: chr12-56093774-C-T.
Other names: c.511+272G>A (NM_001144997.2); c.463+272G>A (NM_001367993.1); c.332-1G>A (NM_001414035.1); c.488-1G>A (NM_001414033.1); c.-503+909G>A (NM_001367994.1); c.670+909G>A (NM_001414032.1); c.671-1G>A (NM_001414031.1, NM_001374465.1, NM_001414034.1); c.802+272G>A (NM_001414030.1, NM_001414029.1, NM_001144996.2); and 1 more.
Identifiers: ClinVar variation 571500 (VCV000571500.15), dbSNP rs777049999, ClinGen allele CA6616196.